The following is an entry in ClinVar:

NC_012920.1(MT-TT):m.15924A>G

Gene: MT-TT (mitochondrially encoded tRNA threonine; plus strand).
Variant type: single nucleotide variant.
Genome position: chrM-15924-A-G.
Identifiers: ClinVar variation 690236 (VCV000690236.2), dbSNP rs193303001, ClinGen allele CA414823975.

ClinVar aggregate classification (germline): Benign/Likely benign. Review status: criteria provided, multiple submitters, no conflicts (2 of 4 stars). 2 submissions from 2 submitters: Benign (1); Likely benign (1). Last evaluated 2025-02-16.

Conditions:
MELAS syndrome (MELAS). Also called: Juvenile myopathy, encephalopathy, lactic acidosis, stroke. Identifiers: Orphanet 550, MedGen C0162671, MONDO:0010789, OMIM 540000.

Submissions (2):

Laboratory of Genetics, Children's Clinical University Hospital Latvia
Classification: Likely benign. Last evaluated: 2025-02-16. Review status: criteria provided, single submitter. Criteria: ACMG Guidelines, 2015. Collection method: clinical testing. Allele origin: germline. Affected: yes.

Wong Mito Lab, Molecular and Human Genetics, Baylor College of Medicine
Classification: Benign for MELAS syndrome. Last evaluated: 2019-07-12. Review status: criteria provided, single submitter. Criteria: Modified ACMG Guidelines (Unpublished). Collection method: clinical testing. Allele origin: germline.
Comment: The NC_012920.1:m.15924A>G variant in MT-TT gene is interpreted to be a Benign variant based on the modified ACMG guidelines (unpublished). This variant meets the following evidence codes reported in the guidelines: BA1, BP4

Literature cited by the submitters: PubMed 31965079 (cited by Wong Mito Lab, Molecular and Human Genetics, Baylor College of Medicine).